The following is an entry in ClinVar:

ClinVar aggregate classification (germline): Likely benign (1 of 4 stars; one submission).

Conditions:
Tuberous sclerosis 2 (TSC2). Identifiers: Orphanet 805, MedGen C1860707, MONDO:0013199, OMIM 613254.

gnomAD v4.1: 63 of 152,216 alleles (0.041%); highest among the groups gnomAD compares: African/African-American, 0.13%; no homozygotes.

Submission:

Dasa
Classification: Likely benign for Tuberous sclerosis 2. Last evaluated: 2025-11-10. Review status: criteria provided, single submitter. Criteria: DASA Assertion Criteria. Collection method: clinical testing. Allele origin: germline.
Comment: NM_000548.5(TSC2):c.1839+205G>A is an intronic variant. Population frequency is inconsistent with a disease-causing role for this variant, and the variant context is inconsistent with a known disease-causing mechanism. Therefore, based on the currently available evidence, this variant is classified as likely benign.

NM_000548.5(TSC2):c.1839+205G>A

Gene: TSC2 (TSC complex subunit 2; plus strand). Cytogenetic location: 16p13.3.
Variant type: single nucleotide variant.
Coding change: c.1839+205G>A on transcript NM_000548.5 (MANE Select); 205 bases into the intron after coding-DNA position 1839, G replaced by A.
Molecular consequence: intron variant.
Genome position (GRCh38, 1-based): chr16:2,070,783, G>A. VCF-style: chr16-2070783-G-A. GRCh37 (hg19) VCF-style: chr16-2120784-G-A.
Other names: c.1239+205G>A (NM_001406680.1, NM_001406683.1, NM_001406687.1 and 6 more transcripts); c.495+205G>A (NM_001406689.1, NM_001406690.1, NM_001406692.1 and 6 more transcripts); c.237+205G>A (NM_001406698.1); c.1839+205G>A (NM_001114382.3, NM_001406663.1, NM_001406664.1 and 6 more transcripts); c.1827+205G>A (NM_001406671.1, NM_001406673.1); c.1377+205G>A (NM_001406681.1); c.1728+205G>A (NM_001406670.1, NM_001318827.2, NM_001406678.1); c.1929+205G>A (NM_001406667.1, NM_001406668.1); and 3 more.
Identifiers: ClinVar variation 4886388 (VCV004886388.2).